The following is an entry in ClinVar:

NM_000090.4(COL3A1):c.334-2A>G

Gene: COL3A1 (collagen type III alpha 1 chain; plus strand). Cytogenetic location: 2q32.2.
Variant type: single nucleotide variant.
Coding change: c.334-2A>G on transcript NM_000090.4 (MANE Select); the canonical splice acceptor site of the intron before coding-DNA position 334, A replaced by G.
Molecular consequence: splice acceptor variant.
Genome position (GRCh38, 1-based): chr2:188,985,663, A>G. VCF-style: chr2-188985663-A-G. GRCh37 (hg19) VCF-style: chr2-189850389-A-G.
Identifiers: ClinVar variation 857391 (VCV000857391.10), dbSNP rs1553506938, ClinGen allele CA349847678.

ClinVar aggregate classification (germline): Likely pathogenic (1 of 4 stars; one submission).

Conditions:
Ehlers-Danlos syndrome, type 4 (EDSVASC). Also called: Ehlers-Danlos Syndrome Type IV; Ehlers-Danlos syndrome vascular type; Ehlers Danlos syndrome, ecchymotic type; Ehlers Danlos syndrome, arterial type; Ehlers Danlos syndrome, Sack-Barabas type. Identifiers: Orphanet 286, MedGen C0268338, MONDO:0017314, OMIM 130050.

Submission:

Labcorp Genetics (formerly Invitae), Labcorp
Classification: Likely pathogenic for Ehlers-Danlos syndrome, type 4. Last evaluated: 2020-02-18. Review status: criteria provided, single submitter. Criteria: Invitae Variant Classification Sherloc (09022015). Collection method: clinical testing. Allele origin: germline.
Comment: This variant has been observed in individual(s) with clinical features of vascular Ehlers Danlos syndrome (Invitae). Donor and acceptor splice site variants typically lead to a loss of protein function (PMID: 16199547), and loss-of-function variants in COL3A1 are known to be pathogenic (PMID: 24922459). In summary, the currently available evidence indicates that the variant is pathogenic, but additional data are needed to prove that conclusively. Therefore, this variant has been classified as Likely Pathogenic. This variant is not present in population databases (ExAC no frequency). This sequence change affects an acceptor splice site in intron 3 of the COL3A1 gene. It is expected to disrupt RNA splicing and likely results in an absent or disrupted protein product.

Literature cited by the submitters: PubMed 16199547; PubMed 24922459.